The following is an entry in ClinVar:

NM_000368.5(TSC1):c.3248G>A (p.Ser1083Asn)

Gene: TSC1 (TSC complex subunit 1; minus strand). Cytogenetic location: 9q34.13.
Variant type: single nucleotide variant.
Coding change: c.3248G>A on transcript NM_000368.5 (MANE Select); coding-DNA position 3248, G replaced by A.
Protein change: p.Ser1083Asn; replaces serine 1083 with asparagine.
Molecular consequence: missense variant.
Genome position (GRCh38, 1-based): chr9:132,896,482, C>T on the plus strand (G>A on the coding strand, the complement: TSC1 is on the minus strand). VCF-style: chr9-132896482-C-T. GRCh37 (hg19) VCF-style: chr9-135771869-C-T.
Other names: c.3248G>A (NM_000368.4); c.3245G>A, p.Ser1082Asn (NM_001162426.2); c.3095G>A, p.Ser1032Asn (NM_001162427.2); c.2885G>A, p.Ser962Asn (NM_001362177.2); short protein forms S1032N, S1082N, S1083N, S962N.
Identifiers: ClinVar variation 1056306 (VCV001056306.8), dbSNP rs1845055163, ClinGen allele CA375366871.

ClinVar aggregate classification (germline): Uncertain significance. Review status: criteria provided, multiple submitters, no conflicts (2 of 4 stars). 2 submissions from 2 submitters: Uncertain significance (2). Last evaluated 2025-08-20.

Conditions:
Hereditary cancer-predisposing syndrome. Also called: Hereditary Cancer Syndrome; Tumor predisposition; Hereditary neoplastic syndrome; Neoplastic Syndromes, Hereditary. Identifiers: Orphanet 140162, MedGen C0027672, MeSH D009386, MONDO:0015356.
Tuberous sclerosis 1 (TSC1). Identifiers: Orphanet 805, MedGen C1854465, MONDO:0008612, OMIM 191100.

Allele frequency attached by ClinVar (database versions not stated): gnomAD 0.00001.
gnomAD v4.1: 1 of 1,614,118 alleles (0.000062%); highest among the groups gnomAD compares: Admixed American, 0.0017%; no homozygotes.

Submissions (2):

Ambry Genetics
Classification: Uncertain significance for Hereditary cancer-predisposing syndrome. Last evaluated: 2025-08-20. Review status: criteria provided, single submitter. Criteria: Ambry Variant Classification Scheme 2023. Collection method: clinical testing. Allele origin: germline.
Comment: The p.S1083N variant (also known as c.3248G>A), located in coding exon 21 of the TSC1 gene, results from a G to A substitution at nucleotide position 3248. The serine at codon 1083 is replaced by asparagine, an amino acid with highly similar properties. This amino acid position is conserved. In addition, the in silico prediction for this alteration is inconclusive. Based on the available evidence, the clinical significance of this variant remains unclear.

Labcorp Genetics (formerly Invitae), Labcorp
Classification: Uncertain significance for Tuberous sclerosis 1. Last evaluated: 2021-11-17. Review status: criteria provided, single submitter. Criteria: Invitae Variant Classification Sherloc (09022015). Collection method: clinical testing. Allele origin: germline.
Comment: In summary, the available evidence is currently insufficient to determine the role of this variant in disease. Therefore, it has been classified as a Variant of Uncertain Significance. This sequence change replaces serine, which is neutral and polar, with asparagine, which is neutral and polar, at codon 1083 of the TSC1 protein (p.Ser1083Asn). This variant is not present in population databases (gnomAD no frequency). This variant has not been reported in the literature in individuals affected with TSC1-related conditions. ClinVar contains an entry for this variant (Variation ID: 1056306). Algorithms developed to predict the effect of missense changes on protein structure and function are either unavailable or do not agree on the potential impact of this missense change (SIFT: "Tolerated"; PolyPhen-2: "Possibly Damaging"; Align-GVGD: "Class C0").